The following is an entry in ClinVar:

NM_173477.5(USH1G):c.46CTC[1] (p.Leu17del)

Gene: USH1G (USH1 protein network component sans; minus strand). Cytogenetic location: 17q25.1.
Variant type: Microsatellite.
Coding change: c.46CTC[1] on transcript NM_173477.5 (MANE Select); one copy of the 3-base unit CTC starting at c.46; the reference has two copies in a row; one copy, 3 bases deleted.
Protein change: p.Leu17del; deletes leucine 17.
Molecular consequence: 5 prime UTR variant (on NM_001282489.3).
Genome position (GRCh38, 1-based): chr17:74,923,023-74,923,025, GAG deleted on the plus strand (CTC on the coding strand, the reverse complement: USH1G is on the minus strand); deleting any 3 consecutive bases within chr17:74,923,023-74,923,028 gives the same sequence; the position shown is the placement nearest the transcript's 3' end. VCF-style (leftmost placement, unchanged base first): chr17-74923022-TGAG-T. GRCh37 (hg19) VCF-style: chr17-72919117-TGAG-T.
Other names: c.-211CTC[1] (NM_001282489.3); short protein forms L17del.
Identifiers: ClinVar variation 3643994 (VCV003643994.2).

ClinVar aggregate classification (germline): Uncertain significance (1 of 4 stars; one submission).

Submission:

Labcorp Genetics (formerly Invitae), Labcorp
Classification: Uncertain significance. Last evaluated: 2024-04-01. Review status: criteria provided, single submitter. Criteria: Invitae Variant Classification Sherloc (09022015). Collection method: clinical testing. Allele origin: germline.
Comment: This variant, c.49_51del, results in the deletion of 1 amino acid(s) of the USH1G protein (p.Leu17del), but otherwise preserves the integrity of the reading frame. This variant is present in population databases (no rsID available, gnomAD 0.007%). This variant has not been reported in the literature in individuals affected with USH1G-related conditions. Experimental studies and prediction algorithms are not available or were not evaluated, and the functional significance of this variant is currently unknown. In summary, the available evidence is currently insufficient to determine the role of this variant in disease. Therefore, it has been classified as a Variant of Uncertain Significance.